The following is an entry in ClinVar:

NM_000051.4(ATM):c.533C>T (p.Pro178Leu)

Gene: ATM (ATM serine/threonine kinase; plus strand). Cytogenetic location: 11q22.3.
Variant type: single nucleotide variant.
Coding change: c.533C>T on transcript NM_000051.4 (MANE Select); coding-DNA position 533, C replaced by T.
Protein change: p.Pro178Leu; replaces proline 178 with leucine.
Molecular consequence: missense variant.
Genome position (GRCh38, 1-based): chr11:108,243,989, C>T. VCF-style: chr11-108243989-C-T. GRCh37 (hg19) VCF-style: chr11-108114716-C-T.
Other names: c.533C>T, p.Pro178Leu (NM_001351834.2); short protein forms P178L.
Identifiers: ClinVar variation 660859 (VCV000660859.10), dbSNP rs1591499842, ClinGen allele CA382527611.

ClinVar aggregate classification (germline): Uncertain significance. Review status: criteria provided, multiple submitters, no conflicts (2 of 4 stars). 3 submissions from 3 submitters: Uncertain significance (3). Last evaluated 2025-12-09.

Conditions:
Ataxia-telangiectasia syndrome (AT). Also called: Ataxia-telangiectasia, complementation group D; AT, COMPLEMENTATION GROUP C; Ataxia telangiectasia (A-T); Cerebello-oculocutaneous telangiectasia; Immunodeficiency with ataxia telangiectasia; ATAXIA-TELANGIECTASIA, COMPLEMENTATION GROUP A. Identifiers: Orphanet 100, MedGen C0004135, MONDO:0008840, OMIM 208900.
Hereditary cancer-predisposing syndrome. Also called: Neoplastic Syndromes, Hereditary; Hereditary neoplastic syndrome; Tumor predisposition; Hereditary Cancer Syndrome. Identifiers: Orphanet 140162, MedGen C0027672, MeSH D009386, MONDO:0015356.

Submissions (3):

Labcorp Genetics (formerly Invitae), Labcorp
Classification: Uncertain significance for Ataxia-telangiectasia syndrome. Last evaluated: 2025-12-09. Review status: criteria provided, single submitter. Criteria: Invitae Variant Classification Sherloc (09022015). Collection method: clinical testing. Allele origin: germline.
Comment: This sequence change replaces proline, which is neutral and non-polar, with leucine, which is neutral and non-polar, at codon 178 of the ATM protein (p.Pro178Leu). This variant is not present in population databases (gnomAD no frequency). This variant has not been reported in the literature in individuals affected with ATM-related conditions. ClinVar contains an entry for this variant (Variation ID: 660859). Invitae Evidence Modeling of protein sequence and biophysical properties (such as structural, functional, and spatial information, amino acid conservation, physicochemical variation, residue mobility, and thermodynamic stability) indicates that this missense variant is not expected to disrupt ATM protein function with a negative predictive value of 95%. In summary, the available evidence is currently insufficient to determine the role of this variant in disease. Therefore, it has been classified as a Variant of Uncertain Significance.

Ambry Genetics
Classification: Uncertain significance for Hereditary cancer-predisposing syndrome. Last evaluated: 2023-10-31. Review status: criteria provided, single submitter. Criteria: Ambry Variant Classification Scheme 2023. Collection method: clinical testing. Allele origin: germline.
Comment: The p.P178L variant (also known as c.533C>T), located in coding exon 5 of the ATM gene, results from a C to T substitution at nucleotide position 533. The proline at codon 178 is replaced by leucine, an amino acid with similar properties. This amino acid position is well conserved in available vertebrate species. In addition, the in silico prediction for this alteration is inconclusive. Since supporting evidence is limited at this time, the clinical significance of this alteration remains unclear.

Women's Health and Genetics/Laboratory Corporation of America, LabCorp
Classification: Uncertain significance. Last evaluated: 2020-02-07. Review status: criteria provided, single submitter. Criteria: LabCorp Variant Classification Summary - May 2015. Collection method: clinical testing. Allele origin: germline.
Comment: Variant summary: ATM c.533C>T (p.Pro178Leu) results in a non-conservative amino acid change in the encoded protein sequence. Four of five in-silico tools predict a damaging effect of the variant on protein function. The variant was absent in 243558 control chromosomes (gnomAD). The available data on variant occurrences in the general population are insufficient to allow any conclusion about variant significance. c.533C>T has been reported in the literature in one individual affected with AML (Choi_2018). The report does not provide unequivocal conclusions about association of the variant with Breast Cancer. To our knowledge, no experimental evidence demonstrating an impact on protein function has been reported. One ClinVar submitter (evaluation after 2014) cites the variant as uncertain significance. Based on the evidence outlined above, the variant was classified as uncertain significance.

Literature cited by the submitters: PubMed 29789584 (cited by Women's Health and Genetics/Laboratory Corporation of America, LabCorp).